The following is an entry in ClinVar:

ClinVar aggregate classification (germline): Conflicting classifications of pathogenicity. Review status: criteria provided, conflicting classifications (1 of 4 stars). 9 submissions from 9 submitters: Uncertain significance (3); Likely benign (3). 3 of the submissions do not count toward it. Last evaluated 2025-10-13.

Conditions:
Hereditary cancer-predisposing syndrome. Also called: Hereditary Cancer Syndrome; Hereditary neoplastic syndrome; Neoplastic Syndromes, Hereditary; Tumor predisposition. Identifiers: Orphanet 140162, MedGen C0027672, MeSH D009386, MONDO:0015356.
Breast-ovarian cancer, familial, susceptibility to, 1 (BROVCA1). Also called: BRCA1 Hereditary Breast and Ovarian Cancer; OVARIAN CANCER, SUSCEPTIBILITY TO. Identifiers: Orphanet 145, MedGen C2676676, MONDO:0011450, OMIM 604370. Disease mechanism: loss of function.
Hereditary breast ovarian cancer syndrome. Also called: BRCA1- and BRCA2-Associated Hereditary Breast and Ovarian Cancer; Hereditary breast and ovarian cancer syndrome; Hereditary breast and ovarian cancer syndrome (HBOC); Breast and ovarian cancer; Hereditary breast and/or ovarian cancer syndrome; Hereditary breast and ovarian cancer. Identifiers: Orphanet 145, MedGen C0677776, MeSH D061325, MONDO:0003582. Disease mechanism: loss of function.

Allele frequency attached by ClinVar (database versions not stated): TOPMed 0.00001.
gnomAD v4.1: 12 of 1,614,162 alleles (0.00074%); highest among the groups gnomAD compares: Non-Finnish European, 0.001%; no homozygotes.

Submissions (9):

Labcorp Genetics (formerly Invitae), Labcorp
Classification: Likely benign for Hereditary breast ovarian cancer syndrome. Last evaluated: 2025-10-13. Review status: criteria provided, single submitter. Criteria: Invitae Variant Classification Sherloc (09022015). Collection method: clinical testing. Allele origin: germline.

Color Diagnostics, LLC DBA Color Health
Classification: Uncertain significance for Hereditary cancer-predisposing syndrome. Last evaluated: 2025-01-14. Review status: criteria provided, single submitter. Criteria: ACMG Guidelines, 2015. Collection method: clinical testing. Allele origin: germline.
Comment: This missense variant replaces alanine with threonine at codon 322 of the BRCA1 protein. Computational prediction is inconclusive regarding the impact of this variant on protein structure and function. To our knowledge, functional studies have not been reported for this variant. This variant has been reported in a suspected hereditary breast and ovarian cancer family (PMID: 27062684), and it also has been detected in 1 individual older than age 70 years who has never had cancer (FLOSSIES database). A multifactorial analysis has reported likelihood ratios for pathogenicity based on co-occurrence with a pathogenic variant and family history (1 carrier) of 1.1026 and 0.2649, respectively (PMID: 31131967). This variant has been identified in 1/251394 chromosomes in the general population by the Genome Aggregation Database (gnomAD). The available evidence is insufficient to determine the role of this variant in disease conclusively. Therefore, this variant is classified as a Variant of Uncertain Significance.

All of Us Research Program, National Institutes of Health
Classification: Uncertain significance for Breast-ovarian cancer, familial, susceptibility to, 1. Last evaluated: 2023-06-15. Review status: criteria provided, single submitter. Criteria: ACMG Guidelines, 2015. Collection method: clinical testing. Allele origin: germline. Inheritance: Autosomal dominant inheritance. Observed: 1 variant allele, 1 heterozygote.
Comment: This study involves interpretation of variants in research participants for the purpose of population health screening. Participant phenotype was not available at the time of variant classification. Additional details can be found in publication PMID: 35346344, PMCID: PMC8962531

University of Washington Department of Laboratory Medicine, University of Washington
Classification: Likely benign for Hereditary cancer-predisposing syndrome. Last evaluated: 2023-03-23. Review status: criteria provided, single submitter. Criteria: Dines et al. (Genet Med. 2020). Collection method: curation. Allele origin: germline.
Comment: Missense variant in a coldspot region where missense variants are very unlikely to be pathogenic (PMID:31911673).

BRCA1 coldspot (exon 11 using historical exon numbering). Reclassification based on statistical prior probability

GeneDx
Classification: Uncertain significance. Last evaluated: 2019-09-26. Review status: criteria provided, single submitter. Criteria: GeneDx Variant Classification Process June 2021. Collection method: clinical testing. Allele origin: germline. Affected: yes.
Comment: Observed in individuals with breast and/or ovarian cancer (Azzolini 2016); Not observed at a significant frequency in large population cohorts (Lek 2016); In silico analysis, which includes protein predictors and evolutionary conservation, supports a deleterious effect; Also known as 1083G>A; This variant is associated with the following publications: (PMID: 27062684, 33087888, 31131967, 28726806, 16267036)

Ambry Genetics
Classification: Likely benign for Hereditary cancer-predisposing syndrome. Last evaluated: 2017-09-01. Review status: criteria provided, single submitter. Criteria: Ambry Variant Classification Scheme 2023. Collection method: clinical testing. Allele origin: germline.

Counsyl
Classification: Uncertain significance for Breast-ovarian cancer, familial, susceptibility to, 1. Last evaluated: 2018-06-06. Review status: no assertion criteria provided. Collection method: clinical testing. Allele origin: unknown. Not counted in ClinVar's aggregate classification.

Sharing Clinical Reports Project (SCRP)
Classification: Uncertain significance for Breast-ovarian cancer, familial 1. Last evaluated: 2010-09-15. Review status: no assertion criteria provided. Collection method: clinical testing. Allele origin: germline. Not counted in ClinVar's aggregate classification.

Breast Cancer Information Core (BIC) (BRCA1)
Classification: Uncertain significance for Breast-ovarian cancer, familial 1. Last evaluated: 2002-05-29. Review status: no assertion criteria provided. Collection method: clinical testing. Allele origin: germline. Affected: yes. Observed: 2 variant alleles. Not counted in ClinVar's aggregate classification.

Literature cited by the submitters: PubMed 27062684 (cited by Color Diagnostics, LLC DBA Color Health and Counsyl); PubMed 31131967 (cited by Color Diagnostics, LLC DBA Color Health); PubMed 16267036 (cited by Counsyl).

NM_007294.4(BRCA1):c.964G>A (p.Ala322Thr)

Gene: BRCA1 (BRCA1 DNA repair associated; minus strand). Cytogenetic location: 17q21.31.
Variant type: single nucleotide variant.
Coding change: c.964G>A on transcript NM_007294.4 (MANE Select); coding-DNA position 964, G replaced by A.
Protein change: p.Ala322Thr; replaces alanine 322 with threonine.
Molecular consequence: missense variant. On other transcripts: intron variant (137).
Genome position (GRCh38, 1-based): chr17:43,094,567, C>T on the plus strand (G>A on the coding strand, the complement: BRCA1 is on the minus strand). VCF-style: chr17-43094567-C-T. GRCh37 (hg19) VCF-style: chr17-41246584-C-T.
Other names: 1083G>A; c.646+177G>A (NM_001408459.1, NM_001408455.1, NM_001408466.1 and 11 more transcripts); c.583+177G>A (NM_001408475.1); c.709+177G>A (NM_001408412.1, NM_001408409.1, NM_001408414.1 and 2 more transcripts); c.451+177G>A (NM_001408509.1, NM_001408508.1); c.574+177G>A (NM_001408491.1, NM_001408493.1, NM_001408490.1); c.460+1279G>A (NM_001408506.1, NM_001408507.1); c.577+177G>A (NM_001408481.1, NM_001408480.1, NM_001408492.1 and 9 more transcripts); and 41 more; short protein forms A322T, A275T, A154T, A251T, A26T, A195T, A233T, A281T.
Identifiers: ClinVar variation 55766 (VCV000055766.27), dbSNP rs80357252, ClinGen allele CA003988.
Genomic context (GRCh38, chr17:43,094,567, plus strand): 5'-GATCTACCTTTTTTTCTGTGCTGGGAGTCCGCCTATCATTACATGTTTCCTTACTTCCAG[C>T]CCATCTGTTATGTTGGCTCCTTGCTAAGCCAGGCTGTTTGCTTTTATTACAGAATTCAGC-3'
Protein context (NP_009225.1, residues 312-332): GLARSQHNRW[Ala322Thr]GSKETCNDRR